The following is an entry in ClinVar:

ClinVar aggregate classification (germline): Uncertain significance. Review status: criteria provided, multiple submitters, no conflicts (2 of 4 stars). 2 submissions from 2 submitters: Uncertain significance (2). Last evaluated 2021-11-06.

Allele frequency attached by ClinVar (database versions not stated): gnomAD exomes below 0.00001 and 0.00001; gnomAD 0.00001; TOPMed 0.00001.
gnomAD v4.1: 5 of 1,197,761 alleles (0.00042%); highest among the groups gnomAD compares: Non-Finnish European, 0.00045%; no homozygotes.

Submissions (2):

Labcorp Genetics (formerly Invitae), Labcorp
Classification: Uncertain significance. Last evaluated: 2021-11-06. Review status: criteria provided, single submitter. Criteria: Invitae Variant Classification Sherloc (09022015). Collection method: clinical testing. Allele origin: germline.
Comment: Algorithms developed to predict the effect of sequence changes on RNA splicing suggest that this variant is not likely to affect RNA splicing. This sequence change affects codon 1088 of the BRWD3 mRNA. It is a 'silent' change, meaning that it does not change the encoded amino acid sequence of the BRWD3 protein. It affects a nucleotide within the consensus splice site. This variant is present in population databases (no rsID available, gnomAD 0.001%), including at least one homozygous and/or hemizygous individual. This variant has not been reported in the literature in individuals affected with BRWD3-related conditions. In summary, the available evidence is currently insufficient to determine the role of this variant in disease. Therefore, it has been classified as a Variant of Uncertain Significance.

Blueprint Genetics
Classification: Uncertain significance. Last evaluated: 2020-04-30. Review status: criteria provided, single submitter. Criteria: ACMG Guidelines, 2015. Collection method: clinical testing. Allele origin: germline.

NM_153252.5(BRWD3):c.3264C>T (p.His1088=)

Gene: BRWD3 (bromodomain and WD repeat domain containing 3; minus strand). Cytogenetic location: Xq21.1.
Variant type: single nucleotide variant.
Coding change: c.3264C>T on transcript NM_153252.5 (MANE Select); coding-DNA position 3264, C replaced by T.
Protein change: p.His1088=; no amino-acid change (histidine 1088 retained).
Molecular consequence: synonymous variant.
Genome position (GRCh38, 1-based): chrX:80,692,150, G>A on the plus strand (C>T on the coding strand, the complement: BRWD3 is on the minus strand). VCF-style: chrX-80692150-G-A. GRCh37 (hg19) VCF-style: chrX-79947649-G-A.
Identifiers: ClinVar variation 1448210 (VCV001448210.7), dbSNP rs200943021, ClinGen allele CA517073795.
Genomic context (GRCh38, chrX:80,692,150, plus strand): 5'-TCCTTCTGGAATTGGCTCCATATCCCATGGGCTCATCTTTTCTCTCTCATTATTGTCCCA[G>A]CTATTAAAAAATAAGAAGATGCAAATCAAATTAATCATATAGTACTTCCTTTCATATACT-3'
Protein context (NP_694984.5, residues 1078-1098): PDSSFQCYSV[His1088=]WDNNEREKMS